The following is an entry in ClinVar:

ClinVar aggregate classification (germline): Uncertain significance (1 of 4 stars; one submission).

Submission:

Labcorp Genetics (formerly Invitae), Labcorp
Classification: Uncertain significance. Last evaluated: 2024-04-22. Review status: criteria provided, single submitter. Criteria: Invitae Variant Classification Sherloc (09022015). Collection method: clinical testing. Allele origin: germline.
Comment: This sequence change replaces arginine, which is basic and polar, with leucine, which is neutral and non-polar, at codon 613 of the TCF12 protein (p.Arg613Leu). This variant is not present in population databases (gnomAD no frequency). This missense change has been observed in individual(s) with craniosynostosis (Invitae). Advanced modeling of protein sequence and biophysical properties (such as structural, functional, and spatial information, amino acid conservation, physicochemical variation, residue mobility, and thermodynamic stability) performed at Invitae indicates that this missense variant is expected to disrupt TCF12 protein function with a positive predictive value of 80%. This variant disrupts the p.Arg613 amino acid residue in TCF12. Other variant(s) that disrupt this residue have been observed in individuals with TCF12-related conditions (PMID: 24736737), which suggests that this may be a clinically significant amino acid residue. In summary, the available evidence is currently insufficient to determine the role of this variant in disease. Therefore, it has been classified as a Variant of Uncertain Significance.

Literature cited by the submitters: PubMed 24736737.

NM_207037.2(TCF12):c.1838G>T (p.Arg613Leu)

Gene: TCF12 (transcription factor 12; plus strand). Cytogenetic location: 15q21.3.
Variant type: single nucleotide variant.
Coding change: c.1838G>T on transcript NM_207037.2 (MANE Select); coding-DNA position 1838, G replaced by T.
Protein change: p.Arg613Leu; replaces arginine 613 with leucine.
Molecular consequence: missense variant.
Genome position (GRCh38, 1-based): chr15:57,273,122, G>T. VCF-style: chr15-57273122-G-T. GRCh37 (hg19) VCF-style: chr15-57565320-G-T.
Other names: c.1328G>T, p.Arg443Leu (NM_001306219.3); c.1058G>T, p.Arg353Leu (NM_001306220.3); c.1838G>T, p.Arg613Leu (NM_001322151.2, NM_001322159.3, NM_001322162.2 and 1 more transcripts); c.1835G>T, p.Arg612Leu (NM_001322152.2, NM_001322161.2); c.1181G>T, p.Arg394Leu (NM_001322154.2); c.1664G>T, p.Arg555Leu (NM_001322156.2); c.1766G>T, p.Arg589Leu (NM_001322157.3, NM_001322165.2, NM_003205.4 and 1 more transcripts); c.1592G>T, p.Arg531Leu (NM_001322158.2); and 2 more; short protein forms R353L, R531L, R601L, R555L, R613L, R443L, R589L, R394L.
Identifiers: ClinVar variation 2732434 (VCV002732434.3), dbSNP rs730880016, ClinGen allele CA392592633.